The following is an entry in ClinVar:

ClinVar aggregate classification (germline): Uncertain significance (1 of 4 stars; one submission).

Conditions:
Fanconi anemia (FA). Also called: Fanconi's anemia. Identifiers: Orphanet 84, MedGen C0015625, MeSH D005199, MONDO:0019391.

Allele frequency attached by ClinVar (database versions not stated): TOPMed 0.00001.
gnomAD v4.1: 1 of 1,614,178 alleles (0.000062%); highest among the groups gnomAD compares: Non-Finnish European, 0.000085%; no homozygotes.

Submission:

Labcorp Genetics (formerly Invitae), Labcorp
Classification: Uncertain significance for Fanconi anemia. Last evaluated: 2020-11-03. Review status: criteria provided, single submitter. Criteria: Invitae Variant Classification Sherloc (09022015). Collection method: clinical testing. Allele origin: germline.
Comment: This variant has not been reported in the literature in individuals with FANCL-related conditions. Nucleotide substitutions within the consensus splice site are a relatively common cause of aberrant splicing (PMID: 17576681, 9536098). Algorithms developed to predict the effect of sequence changes on RNA splicing suggest that this variant is not likely to affect RNA splicing, but this prediction has not been confirmed by published transcriptional studies. In summary, the available evidence is currently insufficient to determine the role of this variant in disease. Therefore, it has been classified as a Variant of Uncertain Significance. This variant is not present in population databases (ExAC no frequency). This sequence change falls in intron 1 of the FANCL gene. It does not directly change the encoded amino acid sequence of the FANCL protein. It affects a nucleotide within the consensus splice site of the intron.

Literature cited by the submitters: PubMed 17576681; PubMed 9536098.

NM_018062.4(FANCL):c.96+4C>A

Gene: FANCL (FA complementation group L; minus strand). Cytogenetic location: 2p16.1.
Variant type: single nucleotide variant.
Coding change: c.96+4C>A on transcript NM_018062.4 (MANE Select); 4 bases into the intron after coding-DNA position 96, C replaced by A.
Molecular consequence: intron variant.
Genome position (GRCh38, 1-based): chr2:58,241,214, G>T on the plus strand (C>A on the coding strand, the complement: FANCL is on the minus strand). VCF-style: chr2-58241214-G-T. GRCh37 (hg19) VCF-style: chr2-58468349-G-T.
Other names: c.96+4C>A (NM_001374615.1, NM_001114636.2, NM_001410792.1).
Identifiers: ClinVar variation 1496302 (VCV001496302.6), dbSNP rs1279339819, ClinGen allele CA770617436.